The following is an entry in ClinVar:

NC_000017.10:g.(?_29587381)_(29662055_?)del

Genes: EVI2A (ecotropic viral integration site 2A; minus strand), EVI2B (ecotropic viral integration site 2B; minus strand), NF1 (neurofibromin 1; plus strand), OMG (oligodendrocyte myelin glycoprotein; minus strand). Cytogenetic location: 17q11.2.
Variant type: Deletion.
Identifiers: ClinVar variation 1070147 (VCV001070147.1).

ClinVar aggregate classification (germline): Pathogenic (1 of 4 stars; one submission).

Conditions:
Neurofibromatosis, type 1 (NF1). Also called: VON RECKLINGHAUSEN DISEASE; Peripheral type neurofibromatosis; NEUROFIBROMATOSIS, TYPE I, SOMATIC; Neurofibromatosis, type I. Identifiers: Orphanet 636, MedGen C0027831, MONDO:0018975, OMIM 162200. Disease mechanism: loss of function.

Submission:

Labcorp Genetics (formerly Invitae), Labcorp
Classification: Pathogenic for Neurofibromatosis, type 1. Last evaluated: 2015-10-03. Review status: criteria provided, single submitter. Criteria: Invitae Variant Classification Sherloc (09022015). Collection method: clinical testing. Allele origin: germline.
Comment: A gross deletion of the genomic region encompassing the full coding sequence of the NF1 gene has been identified. This deletion extends beyond both edges of the assayed region, and the 5' and 3' boundaries of this event are not known. Deletions of chromosome 17q11.2 regions encompassing the NF1 gene are known to be pathogenic and are estimated to account for 4-5% of individuals affected with neurofibromatosis type 1 (PMID: 14722914, 20513137, 24958239). For these reasons, this variant has been classified as Pathogenic.

Literature cited by the submitters: PubMed 14722914; PubMed 20513137; PubMed 24958239.